The following is an entry in ClinVar:

ClinVar aggregate classification (germline): Uncertain significance. Review status: criteria provided, multiple submitters, no conflicts (2 of 4 stars). 2 submissions from 2 submitters: Uncertain significance (2). Last evaluated 2024-02-02.

Conditions:
Familial adenomatous polyposis 1 (FAP1). Also called: POLYPOSIS, ADENOMATOUS INTESTINAL; FAMILIAL ADENOMATOUS POLYPOSIS 1, ATTENUATED. Identifiers: MedGen C2713442, MONDO:0021056, OMIM 175100. Disease mechanism: loss of function.
Hereditary cancer-predisposing syndrome. Also called: Neoplastic Syndromes, Hereditary; Hereditary Cancer Syndrome; Hereditary neoplastic syndrome; Tumor predisposition. Identifiers: Orphanet 140162, MedGen C0027672, MeSH D009386, MONDO:0015356.

Submissions (2):

Ambry Genetics
Classification: Uncertain significance for Hereditary cancer-predisposing syndrome. Last evaluated: 2024-02-02. Review status: criteria provided, single submitter. Criteria: Ambry Variant Classification Scheme 2023. Collection method: clinical testing. Allele origin: germline.
Comment: The p.S1234G variant (also known as c.3700A>G), located in coding exon 15 of the APC gene, results from an A to G substitution at nucleotide position 3700. The serine at codon 1234 is replaced by glycine, an amino acid with similar properties. This amino acid position is conserved. In addition, in silico predictors for this gene do not accurately predict pathogenicity. Based on the available evidence, the clinical significance of this alteration remains unclear.

Labcorp Genetics (formerly Invitae), Labcorp
Classification: Uncertain significance for Familial adenomatous polyposis 1. Last evaluated: 2023-09-12. Review status: criteria provided, single submitter. Criteria: Invitae Variant Classification Sherloc (09022015). Collection method: clinical testing. Allele origin: germline.
Comment: In summary, the available evidence is currently insufficient to determine the role of this variant in disease. Therefore, it has been classified as a Variant of Uncertain Significance. Advanced modeling of protein sequence and biophysical properties (such as structural, functional, and spatial information, amino acid conservation, physicochemical variation, residue mobility, and thermodynamic stability) performed at Invitae indicates that this missense variant is not expected to disrupt APC protein function. This variant has not been reported in the literature in individuals affected with APC-related conditions. This variant is not present in population databases (gnomAD no frequency). This sequence change replaces serine, which is neutral and polar, with glycine, which is neutral and non-polar, at codon 1234 of the APC protein (p.Ser1234Gly).

NM_000038.6(APC):c.3700A>G (p.Ser1234Gly)

Gene: APC (APC regulator of Wnt signaling pathway; plus strand). Cytogenetic location: 5q22.2.
Variant type: single nucleotide variant.
Coding change: c.3700A>G on transcript NM_000038.6 (MANE Select); coding-DNA position 3700, A replaced by G.
Protein change: p.Ser1234Gly; replaces serine 1234 with glycine.
Molecular consequence: missense variant. On other transcripts: non-coding transcript variant (2).
Genome position (GRCh38, 1-based): chr5:112,839,294, A>G. VCF-style: chr5-112839294-A-G. GRCh37 (hg19) VCF-style: chr5-112174991-A-G.
Other names: c.3700A>G, p.Ser1234Gly (NM_001127510.3, NM_001354895.2, NM_001407450.1); c.3646A>G, p.Ser1216Gly (NM_001127511.3); c.3754A>G, p.Ser1252Gly (NM_001354896.2, NM_001407447.1, NM_001407448.1 and 1 more transcripts); c.3730A>G, p.Ser1244Gly (NM_001354897.2); c.3625A>G, p.Ser1209Gly (NM_001354898.2); c.3616A>G, p.Ser1206Gly (NM_001354899.2); c.3577A>G, p.Ser1193Gly (NM_001354900.2); c.3523A>G, p.Ser1175Gly (NM_001354901.2, NM_001407453.1); and 12 more; short protein forms S1105G, S1175G, S1206G, S1224G, S850G, S1074G, S1193G, S1252G.
Identifiers: ClinVar variation 2760318 (VCV002760318.4), dbSNP rs876659366, ClinGen allele CA16029452.